The following is an entry in ClinVar:

NM_004568.6(SERPINB6):c.539A>T (p.Glu180Val)

Gene: SERPINB6 (serpin family B member 6; minus strand). Cytogenetic location: 6p25.2.
Variant type: single nucleotide variant.
Coding change: c.539A>T on transcript NM_004568.6 (MANE Select); coding-DNA position 539, A replaced by T.
Protein change: p.Glu180Val; replaces glutamic acid 180 with valine.
Molecular consequence: missense variant. On other transcripts: non-coding transcript variant (1).
Genome position (GRCh38, 1-based): chr6:2,953,078, T>A on the plus strand (A>T on the coding strand, the complement: SERPINB6 is on the minus strand). VCF-style: chr6-2953078-T-A. GRCh37 (hg19) VCF-style: chr6-2953312-T-A.
Other names: c.551A>T, p.Glu184Val (NM_001195291.3, NM_001374515.1); c.581A>T, p.Glu194Val (NM_001271822.2); c.596A>T, p.Glu199Val (NM_001271823.2); c.539A>T, p.Glu180Val (NM_001271824.2, NM_001271825.2, NM_001297699.2 and 2 more transcripts); c.407A>T, p.Glu136Val (NM_001374517.1); short protein forms E180V, E184V, E199V, E194V, E136V.
Identifiers: ClinVar variation 449914 (VCV000449914.11), dbSNP rs201274381, ClinGen allele CA3617510.
Genomic context (GRCh38, chr6:2,953,078, plus strand): 5'-TGCTCCTGTCACGGCCCCTTACTCGCCTTGCTGACTTTAAACAGTCTCTCCTCGGTGTTC[T>A]CCTTGTCAAACTGTTCATCCCAGTTTCCTCTGAAATAGACAGCATTCACCAGAACCAGCC-3'
Protein context (NP_004559.4, residues 170-190): RGNWDEQFDK[Glu180Val]NTEERLFKVS

ClinVar aggregate classification (germline): Uncertain significance. Review status: criteria provided, multiple submitters, no conflicts (2 of 4 stars). 3 submissions from 3 submitters: Uncertain significance (3). Last evaluated 2025-10-01.

Allele frequency attached by ClinVar (database versions not stated): gnomAD 0.00014 and 0.00015; gnomAD exomes 0.00015; 1000 Genomes Project 30x 0.00016; ExAC 0.00016; TOPMed 0.00019; 1000 Genomes Project 0.00020.
gnomAD v4.1: 267 of 1,614,258 alleles (0.017%); highest among the groups gnomAD compares: Admixed American, 0.032%; no homozygotes.

Submissions (3):

CeGaT Center for Human Genetics Tuebingen
Classification: Uncertain significance. Last evaluated: 2025-10-01. Review status: criteria provided, single submitter. Criteria: CeGaT Center For Human Genetics Tuebingen Variant Classification Criteria Version 2. Collection method: clinical testing. Allele origin: germline. Affected: yes. Observed: 1 variant allele.
Comment: SERPINB6: PM2:Supporting, BP4

Labcorp Genetics (formerly Invitae), Labcorp
Classification: Uncertain significance. Last evaluated: 2022-09-19. Review status: criteria provided, single submitter. Criteria: Invitae Variant Classification Sherloc (09022015). Collection method: clinical testing. Allele origin: germline.
Comment: This sequence change replaces glutamic acid, which is acidic and polar, with valine, which is neutral and non-polar, at codon 180 of the SERPINB6 protein (p.Glu180Val). This variant is present in population databases (rs201274381, gnomAD 0.04%). This variant has not been reported in the literature in individuals affected with SERPINB6-related conditions. ClinVar contains an entry for this variant (Variation ID: 449914). Advanced modeling of protein sequence and biophysical properties (such as structural, functional, and spatial information, amino acid conservation, physicochemical variation, residue mobility, and thermodynamic stability) performed at Invitae indicates that this missense variant is not expected to disrupt SERPINB6 protein function. Algorithms developed to predict the effect of sequence changes on RNA splicing suggest that this variant may disrupt the consensus splice site. In summary, the available evidence is currently insufficient to determine the role of this variant in disease. Therefore, it has been classified as a Variant of Uncertain Significance.

GeneDx
Classification: Uncertain significance. Last evaluated: 2018-12-10. Review status: criteria provided, single submitter. Criteria: GeneDx Variant Classification (06012015). Collection method: clinical testing. Allele origin: germline. Affected: yes.
Comment: The E180V variant in the SERPINB6 gene has not been reported previously as a pathogenic variant, nor as a benign variant, to our knowledge. The E180V variant is observed in 14/34,420 (0.04%) alleles from individuals of Latino background in large population cohorts (Lek et al., 2016). The E180V variant is a non-conservative amino acid substitution, which is likely to impact secondary protein structure as these residues differ in polarity, charge, size and/or other properties. However, this substitution occurs at a position that is not conserved, and in silico analysis is inconsistent in its predictions as to whether or not the variant is damaging to the protein structure/function. We interpret E180V as a variant of uncertain significance.